The following is an entry in ClinVar:

ClinVar aggregate classification (germline): Likely benign (1 of 4 stars; one submission).

Allele frequency attached by ClinVar (database versions not stated): gnomAD exomes below 0.00001; TOPMed 0.00005; gnomAD 0.00006.
gnomAD v4.1: 9 of 1,209,907 alleles (0.00074%); highest among the groups gnomAD compares: African/African-American, 0.012%; no homozygotes.

Submission:

CeGaT Center for Human Genetics Tuebingen
Classification: Likely benign. Last evaluated: 2023-04-01. Review status: criteria provided, single submitter. Criteria: CeGaT Center For Human Genetics Tuebingen Variant Classification Criteria Version 2. Collection method: clinical testing. Allele origin: germline. Affected: yes. Observed: 1 variant allele.
Comment: KLHL13: BP4, BP7, BS2

NM_001168302.2(KLHL13):c.1053T>C (p.His351=)

Gene: KLHL13 (kelch like family member 13; minus strand). Cytogenetic location: Xq24.
Variant type: single nucleotide variant.
Coding change: c.1053T>C on transcript NM_001168302.2 (MANE Select); coding-DNA position 1053, T replaced by C.
Protein change: p.His351=; no amino-acid change (histidine 351 retained).
Molecular consequence: synonymous variant.
Genome position (GRCh38, 1-based): chrX:117,909,566, A>G on the plus strand (T>C on the coding strand, the complement: KLHL13 is on the minus strand). VCF-style: chrX-117909566-A-G. GRCh37 (hg19) VCF-style: chrX-117043529-A-G.
Other names: c.1110T>C, p.His370= (NM_001168299.2); c.1083T>C, p.His361= (NM_001168300.2, NM_001394864.1); c.1053T>C, p.His351= (NM_001168301.2); c.948T>C, p.His316= (NM_001168303.4); c.1101T>C, p.His367= (NM_001394863.1, NM_033495.4); c.975T>C, p.His325= (NM_001394866.1).
Identifiers: ClinVar variation 2661258 (VCV002661258.24), dbSNP rs1034605619, ClinGen allele CA334868497.